The following is an entry in ClinVar:

NM_000053.4(ATP7B):c.2471T>G (p.Leu824Arg)

Gene: ATP7B (ATPase copper transporting beta; minus strand). Cytogenetic location: 13q14.3.
Variant type: single nucleotide variant.
Coding change: c.2471T>G on transcript NM_000053.4 (MANE Select); coding-DNA position 2471, T replaced by G.
Protein change: p.Leu824Arg; replaces leucine 824 with arginine.
Molecular consequence: missense variant. On other transcripts: intron variant (1).
Genome position (GRCh38, 1-based): chr13:51,950,376, A>C on the plus strand (T>G on the coding strand, the complement: ATP7B is on the minus strand). VCF-style: chr13-51950376-A-C. GRCh37 (hg19) VCF-style: chr13-52524512-A-C.
Other names: c.2294T>G, p.Leu765Arg (NM_001406524.1); c.2471T>G, p.Leu824Arg (NM_001406525.1, NM_001406526.1, NM_001406535.1 and 7 more transcripts); c.2237T>G, p.Leu746Arg (NM_001406527.1, NM_001406528.1, NM_001406534.1 and 2 more transcripts); c.2231T>G, p.Leu744Arg (NM_001406530.1); c.2219T>G, p.Leu740Arg (NM_001406531.1, NM_001406532.1, NM_001330579.2 and 1 more transcripts); c.1823T>G, p.Leu608Arg (NM_001406545.1, NM_001406547.1); c.1985T>G, p.Leu662Arg (NM_001406546.1, NM_001005918.3, NM_001406541.1 and 1 more transcripts); c.1286-215T>G (NM_001406548.1); and 8 more; short protein forms L608R, L630R, L662R, L681R, L708R, L713R, L714R, L740R.
Identifiers: ClinVar variation 4852549 (VCV004852549.1).
Genomic context (GRCh38, chr13:51,950,376, plus strand): 5'-TTCCCATCCACTGGAAACTTTCCCCCAGGGACCACCTTGACGATATCGCCCCGCTGCACC[A>C]GCTCCATGGGGACTTGCTCCTCCCTGCAACAAACGCCACTTATCACTCACATGGCCACTC-3'
Protein context (NP_000044.2, residues 814-834): IIREEQVPME[Leu824Arg]VQRGDIVKVV

ClinVar aggregate classification (germline): Uncertain significance (1 of 4 stars; one submission).

Conditions:
Wilson disease (WND). Also called: Wilson's disease. Identifiers: Orphanet 905, MedGen C0019202, MONDO:0010200, OMIM 277900. Disease mechanism: loss of function.

Submission:

Chongqing Key Laboratory of Child Rare Diseases in Infection and Immunity, Children’s Hospital of Chongqing Medical University
Classification: Uncertain significance for Wilson disease. Last evaluated: 2024-01-01. Review status: criteria provided, single submitter. Criteria: ACMG Guidelines, 2015. Collection method: clinical testing. Allele origin: germline. Inheritance: Autosomal recessive inheritance. Affected: yes.
Comment: Classified as Uncertain significance according to the ACMG/AMP 2015 guidelines (PMID:25741868). The classification was based on the available submitted evidence for Wilson disease (OMIM:277900), including clinical-testing observations, variant consequence/protein annotation, and published or ClinVar evidence where available. Supporting information considered: variant annotation: p.Leu824Arg; Missense; Protein domain: TM-associated / cytosolic loop; submitted notation: NM_000053.4:c.2471T>G (p.Leu824Arg); source variant type: Missense; source domain: TM-associated / cytosolic loop; allele count n=230: 1.